The following is an entry in ClinVar:

ClinVar aggregate classification (germline): Pathogenic/Likely pathogenic. Review status: criteria provided, multiple submitters, no conflicts (2 of 4 stars). 4 submissions from 4 submitters: Pathogenic (2); Likely pathogenic (1). 1 of the submissions does not count toward it. Last evaluated 2025-04-18.

Conditions:
Hereditary cancer-predisposing syndrome. Also called: Hereditary neoplastic syndrome; Hereditary Cancer Syndrome; Tumor predisposition; Neoplastic Syndromes, Hereditary. Identifiers: Orphanet 140162, MedGen C0027672, MeSH D009386, MONDO:0015356.
Familial adenomatous polyposis 1 (FAP1). Also called: FAMILIAL ADENOMATOUS POLYPOSIS 1, ATTENUATED; POLYPOSIS, ADENOMATOUS INTESTINAL. Identifiers: MedGen C2713442, MONDO:0021056, OMIM 175100. Disease mechanism: loss of function.
Carcinoma of colon (CRC). Also called: Colon carcinoma; Colonic carcinoma. Identifiers: MedGen C0699790, MONDO:0002032.

Submissions (4):

Ambry Genetics
Classification: Likely pathogenic for Hereditary cancer-predisposing syndrome. Last evaluated: 2025-04-18. Review status: criteria provided, single submitter. Criteria: Ambry Variant Classification Scheme 2023. Collection method: clinical testing. Allele origin: germline.
Comment: The p.E984* variant (also known as c.2950G>T), located in coding exon 15 of the APC gene, results from a G to T substitution at nucleotide position 2950. This changes the amino acid from a glutamic acid to a stop codon within coding exon 15. This variant was identified in 1/863 colonic polyposis patients from a French cohort (Lagarde A et al. J Med Genet, 2010 Oct;47:721-2). This variant is considered to be rare based on population cohorts in the Genome Aggregation Database (gnomAD). This alteration is expected to result in loss of function by premature protein truncation or nonsense-mediated mRNA decay. As such, this alteration is interpreted as a disease-causing mutation.

Myriad Genetics, Inc.
Classification: Pathogenic for Familial adenomatous polyposis 1. Last evaluated: 2023-05-05. Review status: criteria provided, single submitter. Criteria: Myriad Autosomal Dominant, Autosomal Recessive and X-Linked Classification Criteria (2023). Collection method: clinical testing. Allele origin: unknown.
Comment: This variant is considered pathogenic. This variant creates a termination codon and is predicted to result in premature protein truncation.

Labcorp Genetics (formerly Invitae), Labcorp
Classification: Pathogenic for Familial adenomatous polyposis 1. Last evaluated: 2021-02-22. Review status: criteria provided, single submitter. Criteria: Invitae Variant Classification Sherloc (09022015). Collection method: clinical testing. Allele origin: germline.
Comment: This sequence change creates a premature translational stop signal (p.Glu984*) in the APC gene. While this is not anticipated to result in nonsense mediated decay, it is expected to disrupt the last 1860 amino acid(s) of the APC protein. This variant is not present in population databases (ExAC no frequency). This variant has been observed in individual(s) with clinical features of familial adenomatous polyposis (FAP) (PMID: 20685668, 11748858, 19444466). This variant is also known as 2677G>T E893X in the literature. ClinVar contains an entry for this variant (Variation ID: 433638). A different truncation (p.Tyr2645Lysfs*14) that lies downstream of this variant has been determined to be pathogenic (PMID: 9824584, 1316610, 27081525, 8381579, 22135120, Invitae). This suggests that deletion of this region of the APC protein is causative of disease. For these reasons, this variant has been classified as Pathogenic. This variant is expected to disrupt the EB1 and HDLG binding sites, which mediate interactions with the cytoskeleton (PMID: 15311282, 17293347). While functional studies have not been performed to directly test the effect on APC protein function, this suggests that disruption of the C-terminal portion of the protein is functionally important.

Department of Pathology and Laboratory Medicine, Sinai Health System
Classification: Pathogenic for Carcinoma of colon. Review status: no assertion criteria provided. Collection method: clinical testing. Allele origin: unknown. Affected: yes. Study: The Canadian Open Genetics Repository (COGR). Not counted in ClinVar's aggregate classification.
Comment: The APC p.Glu984* variant was not identified in the literature nor was it identified in the dbSNP, MutDB, or the Zhejiang University database. The variant was identified in ClinVar (classified as pathogenic by COGR), Cosmic (7x in large intestine or pancreas), LOVD 3.0 (1x), and in UMD-LSDB (2x as causal). The variant was not identified in the following control databases: the Exome Aggregation Consortium (August 8th 2016), or the Genome Aggregation Database (Feb 27, 2017). The p.Glu984* variant leads to a premature stop codon at position 984, which is predicted to lead to a truncated or absent protein and loss of function. Loss of function variants of the APC gene are an established mechanism of disease in familial adenomatous polyposis and is the type of variant expected to cause the disorder. In summary, based on the above information this variant meets our laboratoryâ€šÃ„Ã´s criteria to be classified as pathogenic.

Literature cited by the submitters: PubMed 20685668 (cited by Ambry Genetics and Labcorp Genetics (formerly Invitae), Labcorp); PubMed 11748858 (cited by Labcorp Genetics (formerly Invitae), Labcorp); PubMed 19444466 (cited by Labcorp Genetics (formerly Invitae), Labcorp); PubMed 9824584 (cited by Labcorp Genetics (formerly Invitae), Labcorp); PubMed 1316610 (cited by Labcorp Genetics (formerly Invitae), Labcorp); PubMed 27081525 (cited by Labcorp Genetics (formerly Invitae), Labcorp); PubMed 8381579 (cited by Labcorp Genetics (formerly Invitae), Labcorp); PubMed 22135120 (cited by Labcorp Genetics (formerly Invitae), Labcorp); PubMed 15311282 (cited by Labcorp Genetics (formerly Invitae), Labcorp); PubMed 17293347 (cited by Labcorp Genetics (formerly Invitae), Labcorp).

NM_000038.6(APC):c.2950G>T (p.Glu984Ter)

Gene: APC (APC regulator of Wnt signaling pathway; plus strand). Cytogenetic location: 5q22.2.
Variant type: single nucleotide variant.
Coding change: c.2950G>T on transcript NM_000038.6 (MANE Select); coding-DNA position 2950, G replaced by T.
Protein change: p.Glu984Ter; replaces glutamic acid 984 with a stop codon.
Molecular consequence: nonsense.
Genome position (GRCh38, 1-based): chr5:112,838,544, G>T. VCF-style: chr5-112838544-G-T. GRCh37 (hg19) VCF-style: chr5-112174241-G-T.
Other names: c.2950G>T, p.Glu984Ter (NM_001127510.3, NM_001354895.2); c.2896G>T, p.Glu966Ter (NM_001127511.3); c.3004G>T, p.Glu1002Ter (NM_001354896.2); c.2980G>T, p.Glu994Ter (NM_001354897.2); c.2875G>T, p.Glu959Ter (NM_001354898.2); c.2866G>T, p.Glu956Ter (NM_001354899.2); c.2827G>T, p.Glu943Ter (NM_001354900.2); c.2773G>T, p.Glu925Ter (NM_001354901.2); and 5 more; short protein forms E966*, E984*, E824*, E883*, E893*, E959*, E994*, E956*.
Identifiers: ClinVar variation 433638 (VCV000433638.12), dbSNP rs1254176854, ClinGen allele CA16027776.